The following is an entry in ClinVar:

ClinVar aggregate classification (germline): Uncertain significance (1 of 4 stars; one submission).

Conditions:
Loeys-Dietz syndrome 4 (LDS4). Also called: TGFB2-Related Loeys-Dietz Syndrome; ANEURYSM, AORTIC AND CEREBRAL, WITH ARTERIAL TORTUOSITY AND SKELETAL MANIFESTATIONS. Identifiers: MedGen C3553762, MONDO:0013897, OMIM 614816.

Submission:

Labcorp Genetics (formerly Invitae), Labcorp
Classification: Uncertain significance for Loeys-Dietz syndrome 4. Last evaluated: 2021-12-23. Review status: criteria provided, single submitter. Criteria: Invitae Variant Classification Sherloc (09022015). Collection method: clinical testing. Allele origin: germline.
Comment: This variant, c.197_199dup, results in the insertion of 1 amino acid(s) of the TGFB2 protein (p.Glu66dup), but otherwise preserves the integrity of the reading frame. This variant has not been reported in the literature in individuals affected with TGFB2-related conditions. In summary, the available evidence is currently insufficient to determine the role of this variant in disease. Therefore, it has been classified as a Variant of Uncertain Significance. Algorithms developed to predict the effect of sequence changes on RNA splicing suggest that this variant may create or strengthen a splice site. This variant is not present in population databases (gnomAD no frequency).

NM_003238.6(TGFB2):c.197_199dup (p.Glu66_Val67insGlu)

Gene: TGFB2 (transforming growth factor beta 2; plus strand). Cytogenetic location: 1q41.
Variant type: Duplication.
Coding change: c.197_199dup on transcript NM_003238.6 (MANE Select); coding-DNA positions 197 to 199, 3 bases duplicated (AGG; older notation c.197_199dupAGG).
Protein change: p.Glu66_Val67insGlu.
Molecular consequence: inframe insertion. On other transcripts: non-coding transcript variant (2).
Genome position (GRCh38, 1-based): chr1:218,346,898-218,346,900, AGG duplicated; duplicating any 3 consecutive bases within chr1:218,346,896-218,346,900 gives the same sequence; the c. name uses the placement nearest the transcript's 3' end. VCF-style (leftmost placement, unchanged base first): chr1-218346895-C-CGGA. GRCh37 (hg19) VCF-style: chr1-218520237-C-CGGA.
Other names: c.197_199dup, p.Glu66_Val67insGlu (NM_001135599.4).
Identifiers: ClinVar variation 2054889 (VCV002054889.4), dbSNP rs1656702122, ClinGen allele CA1012364607.